The following is an entry in ClinVar:

ClinVar aggregate classification (germline): Uncertain significance (1 of 4 stars; one submission).

Allele frequency attached by ClinVar (database versions not stated): TOPMed 0.00007; gnomAD 0.00011; 1000 Genomes Project 30x 0.00016; 1000 Genomes Project 0.00020.
gnomAD v4.1: 34 of 1,532,934 alleles (0.0022%); highest among the groups gnomAD compares: African/African-American, 0.03%; no homozygotes.

Submission:

Labcorp Genetics (formerly Invitae), Labcorp
Classification: Uncertain significance. Last evaluated: 2022-01-04. Review status: criteria provided, single submitter. Criteria: Invitae Variant Classification Sherloc (09022015). Collection method: clinical testing. Allele origin: germline.
Comment: In summary, the available evidence is currently insufficient to determine the role of this variant in disease. Therefore, it has been classified as a Variant of Uncertain Significance. Advanced modeling of protein sequence and biophysical properties (such as structural, functional, and spatial information, amino acid conservation, physicochemical variation, residue mobility, and thermodynamic stability) performed at Invitae indicates that this missense variant is not expected to disrupt PIEZO2 protein function. This variant has not been reported in the literature in individuals affected with PIEZO2-related conditions. This variant is present in population databases (rs557549695, gnomAD 0.01%). This sequence change replaces arginine, which is basic and polar, with cysteine, which is neutral and slightly polar, at codon 89 of the PIEZO2 protein (p.Arg89Cys).

NM_001378183.1(PIEZO2):c.265C>T (p.Arg89Cys)

Gene: PIEZO2 (piezo type mechanosensitive ion channel component 2; minus strand). Cytogenetic location: 18p11.21.
Variant type: single nucleotide variant.
Coding change: c.265C>T on transcript NM_001378183.1 (MANE Select); coding-DNA position 265, C replaced by T.
Protein change: p.Arg89Cys; replaces arginine 89 with cysteine.
Molecular consequence: missense variant.
Genome position (GRCh38, 1-based): chr18:10,979,556, G>A on the plus strand (C>T on the coding strand, the complement: PIEZO2 is on the minus strand). VCF-style: chr18-10979556-G-A. GRCh37 (hg19) VCF-style: chr18-10979554-G-A.
Other names: c.265C>T, p.Arg89Cys (NM_001410871.1, NM_022068.4); short protein forms R89C.
Identifiers: ClinVar variation 1910297 (VCV001910297.3), dbSNP rs557549695, ClinGen allele CA296599931.